The following is an entry in ClinVar:

NM_000051.4(ATM):c.2897T>C (p.Val966Ala)

Gene: ATM (ATM serine/threonine kinase; plus strand). Cytogenetic location: 11q22.3.
Variant type: single nucleotide variant.
Coding change: c.2897T>C on transcript NM_000051.4 (MANE Select); coding-DNA position 2897, T replaced by C.
Protein change: p.Val966Ala; replaces valine 966 with alanine.
Molecular consequence: missense variant.
Genome position (GRCh38, 1-based): chr11:108,271,122, T>C. VCF-style: chr11-108271122-T-C. GRCh37 (hg19) VCF-style: chr11-108141849-T-C.
Other names: c.2897T>C, p.Val966Ala (NM_001351834.2); short protein forms V966A.
Identifiers: ClinVar variation 2843299 (VCV002843299.3), dbSNP rs2135548467, ClinGen allele CA382546919.

ClinVar aggregate classification (germline): Uncertain significance (1 of 4 stars; one submission).

Conditions:
Ataxia-telangiectasia syndrome (AT). Also called: Cerebello-oculocutaneous telangiectasia; Immunodeficiency with ataxia telangiectasia; Ataxia-telangiectasia, complementation group E; Ataxia-telangiectasia, complementation group D; LOUIS-BAR SYNDROME; AT, COMPLEMENTATION GROUP C. Identifiers: Orphanet 100, MedGen C0004135, MONDO:0008840, OMIM 208900.

Submission:

Labcorp Genetics (formerly Invitae), Labcorp
Classification: Uncertain significance for Ataxia-telangiectasia syndrome. Last evaluated: 2023-03-07. Review status: criteria provided, single submitter. Criteria: Invitae Variant Classification Sherloc (09022015). Collection method: clinical testing. Allele origin: germline.
Comment: In summary, the available evidence is currently insufficient to determine the role of this variant in disease. Therefore, it has been classified as a Variant of Uncertain Significance. An algorithm developed to predict the effect of missense changes on protein structure and function (PolyPhen-2) suggests that this variant is likely to be tolerated. This variant has not been reported in the literature in individuals affected with ATM-related conditions. This variant is not present in population databases (gnomAD no frequency). This sequence change replaces valine, which is neutral and non-polar, with alanine, which is neutral and non-polar, at codon 966 of the ATM protein (p.Val966Ala).